The following is an entry in ClinVar:

NM_001290223.2(DOCK1):c.1485G>A (p.Ala495=)

Genes: DOCK1 (dedicator of cytokinesis 1; plus strand), DOCK1-AS1 (DOCK1 antisense RNA 1; minus strand). Cytogenetic location: 10q26.2.
Variant type: single nucleotide variant.
Coding change: c.1485G>A on transcript NM_001290223.2 (MANE Select); coding-DNA position 1485, G replaced by A.
Protein change: p.Ala495=; no amino-acid change (alanine 495 retained).
Molecular consequence: synonymous variant. On other transcripts: intron variant (1).
Genome position (GRCh38, 1-based): chr10:127,024,717, G>A. VCF-style: chr10-127024717-G-A. GRCh37 (hg19) VCF-style: chr10-128822981-G-A.
Other names: c.1422G>A, p.Ala474= (NM_001377543.1, NM_001377553.1, NM_001377556.1 and 1 more transcripts); c.1458G>A, p.Ala486= (NM_001377544.1); c.1485G>A, p.Ala495= (NM_001377546.1, NM_001377561.1); c.1359G>A, p.Ala453= (NM_001377547.1); c.1338G>A, p.Ala446= (NM_001377548.1); c.1269G>A, p.Ala423= (NM_001377554.1, NM_001377558.1); c.630G>A, p.Ala210= (NM_001377560.1); c.1389+1393G>A (NM_001377550.1).
Identifiers: ClinVar variation 2640959 (VCV002640959.24), dbSNP rs11595439, ClinGen allele CA5742317.

ClinVar aggregate classification (germline): Likely benign (1 of 4 stars; one submission).

Allele frequency attached by ClinVar (database versions not stated): 1000 Genomes Project 30x 0.00172; 1000 Genomes Project 0.00200; gnomAD 0.00237; TOPMed 0.00266; ESP Exome Variant Server 0.00338; ExAC 0.00357.
gnomAD v4.1: 5,138 of 1,612,312 alleles (0.32%); highest among the groups gnomAD compares: Middle Eastern, 1.2%; 15 homozygotes.

Submission:

CeGaT Center for Human Genetics Tuebingen
Classification: Likely benign. Last evaluated: 2023-02-01. Review status: criteria provided, single submitter. Criteria: CeGaT Center For Human Genetics Tuebingen Variant Classification Criteria Version 2. Collection method: clinical testing. Allele origin: germline. Affected: yes. Observed: 1 variant allele.
Comment: DOCK1: BP4, BP7